The following is an entry in ClinVar:

ClinVar aggregate classification (germline): Conflicting classifications of pathogenicity. Review status: criteria provided, conflicting classifications (1 of 4 stars). 3 submissions from 3 submitters: Uncertain significance (1); Likely benign (2). Last evaluated 2025-02-16.

Allele frequency attached by ClinVar (database versions not stated): ExAC 0.00002; TOPMed 0.00002; gnomAD 0.00003; gnomAD exomes 0.00003; 1000 Genomes Project 30x 0.00016.
gnomAD v4.1: 56 of 1,613,870 alleles (0.0035%); highest among the groups gnomAD compares: East Asian, 0.0045%; no homozygotes.

Submissions (3):

Laboratory of Genetics, Children's Clinical University Hospital Latvia
Classification: Likely benign. Last evaluated: 2025-02-16. Review status: criteria provided, single submitter. Criteria: ACMG Guidelines, 2015. Collection method: clinical testing. Allele origin: germline. Affected: yes.

CeGaT Center for Human Genetics Tuebingen
Classification: Likely benign. Last evaluated: 2024-12-01. Review status: criteria provided, single submitter. Criteria: CeGaT Center For Human Genetics Tuebingen Variant Classification Criteria Version 2. Collection method: clinical testing. Allele origin: germline. Affected: yes. Observed: 1 variant allele.
Comment: TTBK2: BS2

Athena Diagnostics
Classification: Uncertain significance. Last evaluated: 2021-10-07. Review status: criteria provided, single submitter. Criteria: Athena Diagnostics Criteria. Collection method: clinical testing. Allele origin: unknown.

NM_173500.4(TTBK2):c.1973C>T (p.Ala658Val)

Gene: TTBK2 (tau tubulin kinase 2; minus strand). Cytogenetic location: 15q15.2.
Variant type: single nucleotide variant.
Coding change: c.1973C>T on transcript NM_173500.4 (MANE Select); coding-DNA position 1973, C replaced by T.
Protein change: p.Ala658Val; replaces alanine 658 with valine.
Molecular consequence: missense variant.
Genome position (GRCh38, 1-based): chr15:42,775,160, G>A on the plus strand (C>T on the coding strand, the complement: TTBK2 is on the minus strand). VCF-style: chr15-42775160-G-A. GRCh37 (hg19) VCF-style: chr15-43067358-G-A.
Other names: short protein forms A658V.
Identifiers: ClinVar variation 1807144 (VCV001807144.16), dbSNP rs776776204, ClinGen allele CA7516810.